The following is an entry in ClinVar:

NM_003072.5(SMARCA4):c.3858G>C (p.Glu1286Asp)

Gene: SMARCA4 (SWI/SNF related BAF chromatin remodeling complex subunit ATPase 4; plus strand). Cytogenetic location: 19p13.2.
Variant type: single nucleotide variant.
Coding change: c.3858G>C on transcript NM_003072.5 (MANE Select); coding-DNA position 3858, G replaced by C.
Protein change: p.Glu1286Asp; replaces glutamic acid 1286 with aspartic acid.
Molecular consequence: missense variant. On other transcripts: intron variant (6).
Genome position (GRCh38, 1-based): chr19:11,033,850, G>C. VCF-style: chr19-11033850-G-C. GRCh37 (hg19) VCF-style: chr19-11144526-G-C.
Other names: c.3858G>C, p.Glu1286Asp (NM_001128844.3, NM_001128849.3, NM_001387283.1); c.3775-273G>C (NM_001128847.4, NM_001411150.1, NM_001374457.1 and 3 more transcripts); short protein forms E1286D.
Identifiers: ClinVar variation 2753422 (VCV002753422.3), dbSNP rs2146668072, ClinGen allele CA404066812.
Genomic context (GRCh38, chr19:11,033,850, plus strand): 5'-CGGCAGTGCCAGCTTCGCCCACACTGCCCCTCCGCCAGCGGGCGTCAACCCCGACTTGGA[G>C]GAGCCACCTCTAAAGGTGAGAGGGGTAGTTCAGTCTCCATGCCCATTCAATCCTCGGCTT-3'
Protein context (NP_003063.2, residues 1276-1296): PPPAGVNPDL[Glu1286Asp]EPPLKEEDEV

ClinVar aggregate classification (germline): Uncertain significance (1 of 4 stars; one submission).

Conditions:
Rhabdoid tumor predisposition syndrome 2 (RTPS2). Identifiers: Orphanet 231108, Orphanet 69077, MedGen C2750074, MONDO:0013224, OMIM 613325.

Submission:

Labcorp Genetics (formerly Invitae), Labcorp
Classification: Uncertain significance for Rhabdoid tumor predisposition syndrome 2. Last evaluated: 2023-12-21. Review status: criteria provided, single submitter. Criteria: Invitae Variant Classification Sherloc (09022015). Collection method: clinical testing. Allele origin: germline.
Comment: This sequence change replaces glutamic acid, which is acidic and polar, with aspartic acid, which is acidic and polar, at codon 1286 of the SMARCA4 protein (p.Glu1286Asp). This variant is not present in population databases (gnomAD no frequency). This variant has not been reported in the literature in individuals affected with SMARCA4-related conditions. Advanced modeling of protein sequence and biophysical properties (such as structural, functional, and spatial information, amino acid conservation, physicochemical variation, residue mobility, and thermodynamic stability) has been performed at Invitae for this missense variant, however the output from this modeling did not meet the statistical confidence thresholds required to predict the impact of this variant on SMARCA4 protein function. In summary, the available evidence is currently insufficient to determine the role of this variant in disease. Therefore, it has been classified as a Variant of Uncertain Significance.